The following is an entry in ClinVar:

NM_001014.5(RPS10):c.344C>T (p.Ala115Val)

Genes: RPS10 (ribosomal protein S10; minus strand), RPS10-NUDT3 (RPS10-NUDT3 readthrough; minus strand). Cytogenetic location: 6p21.31.
Variant type: single nucleotide variant.
Coding change: c.344C>T on transcript NM_001014.5 (MANE Select); coding-DNA position 344, C replaced by T.
Protein change: p.Ala115Val; replaces alanine 115 with valine.
Molecular consequence: missense variant.
Genome position (GRCh38, 1-based): chr6:34,421,786, G>A on the plus strand (C>T on the coding strand, the complement: RPS10 is on the minus strand). VCF-style: chr6-34421786-G-A. GRCh37 (hg19) VCF-style: chr6-34389563-G-A.
Other names: c.344C>T, p.Ala115Val (NM_001202470.3, NM_001203245.3, NM_001204091.2); short protein forms A115V.
Identifiers: ClinVar variation 2912518 (VCV002912518.3), dbSNP rs774624551, ClinGen allele CA3765052.
Genomic context (GRCh38, chr6:34,421,786, plus strand): 5'-TCACGTGGCACAGCACTCCGTCTGTAGGTATCTCTGTCAGCTTCCCCTCTTGTGAGTCTC[G>A]CAGGTCGCTCACCCTCCAGACCTATGTAAATCAAACCACACTGTGAACACAGGGCAATGT-3'
Protein context (NP_001005.1, residues 105-125): RPKGLEGERP[Ala115Val]RLTRGEADRD

ClinVar aggregate classification (germline): Uncertain significance (1 of 4 stars; one submission).

Conditions:
Diamond-Blackfan anemia. Also called: Blackfan Diamond syndrome; Aregenerative anemia chronic congenital; Red cell aplasia, pure hereditary; Congenital hypoplastic anemia; Aase syndrome. Identifiers: Orphanet 124, MedGen C1260899, MeSH D029503, MONDO:0015253, HP:0004810.

Allele frequency attached by ClinVar (database versions not stated): TOPMed 0.00001.
gnomAD v4.1: 39 of 1,613,682 alleles (0.0024%); highest among the groups gnomAD compares: South Asian, 0.0044%; no homozygotes.

Submission:

Labcorp Genetics (formerly Invitae), Labcorp
Classification: Uncertain significance for Diamond-Blackfan anemia. Last evaluated: 2023-06-06. Review status: criteria provided, single submitter. Criteria: Invitae Variant Classification Sherloc (09022015). Collection method: clinical testing. Allele origin: germline.
Comment: This variant is present in population databases (rs774624551, gnomAD 0.01%). This sequence change replaces alanine, which is neutral and non-polar, with valine, which is neutral and non-polar, at codon 115 of the RPS10 protein (p.Ala115Val). This variant has not been reported in the literature in individuals affected with RPS10-related conditions. In summary, the available evidence is currently insufficient to determine the role of this variant in disease. Therefore, it has been classified as a Variant of Uncertain Significance. An algorithm developed to predict the effect of missense changes on protein structure and function (PolyPhen-2) suggests that this variant is likely to be tolerated.